The following is an entry in ClinVar:

NM_006949.4(STXBP2):c.1539-2A>G

Gene: STXBP2 (syntaxin binding protein 2; plus strand). Cytogenetic location: 19p13.2.
Variant type: single nucleotide variant.
Coding change: c.1539-2A>G on transcript NM_006949.4 (MANE Select); the canonical splice acceptor site of the intron before coding-DNA position 1539, A replaced by G.
Molecular consequence: splice acceptor variant.
Genome position (GRCh38, 1-based): chr19:7,647,352, A>G. VCF-style: chr19-7647352-A-G. GRCh37 (hg19) VCF-style: chr19-7712238-A-G.
Other names: c.1443-2A>G (NM_001414484.1); c.1572-2A>G (NM_001272034.2); c.1530-2A>G (NM_001127396.3).
Identifiers: ClinVar variation 3022311 (VCV003022311.3), dbSNP rs776024035, ClinGen allele CA9144255.

ClinVar aggregate classification (germline): Likely pathogenic (1 of 4 stars; one submission).

Conditions:
Familial hemophagocytic lymphohistiocytosis 5. Also called: STXBP2-Related Familial Hemophagocytic Lymphohistiocytosis (STXBP2-fHLH). Identifiers: Orphanet 540, MedGen C2751293, MONDO:0013135, OMIM 613101.

Allele frequency attached by ClinVar (database versions not stated): ExAC 0.00001.

Submission:

Labcorp Genetics (formerly Invitae), Labcorp
Classification: Likely pathogenic for Familial hemophagocytic lymphohistiocytosis 5. Last evaluated: 2024-01-30. Review status: criteria provided, single submitter. Criteria: Invitae Variant Classification Sherloc (09022015). Collection method: clinical testing. Allele origin: germline.
Comment: This sequence change affects an acceptor splice site in intron 17 of the STXBP2 gene. It is expected to disrupt RNA splicing. Variants that disrupt the donor or acceptor splice site typically lead to a loss of protein function (PMID: 16199547), and loss-of-function variants in STXBP2 are known to be pathogenic (PMID: 19804848, 22451424). This variant is present in population databases (rs776024035, gnomAD 0.005%). This variant has not been reported in the literature in individuals affected with STXBP2-related conditions. Algorithms developed to predict the effect of sequence changes on RNA splicing suggest that this variant may disrupt the consensus splice site. In summary, the currently available evidence indicates that the variant is pathogenic, but additional data are needed to prove that conclusively. Therefore, this variant has been classified as Likely Pathogenic.

Literature cited by the submitters: PubMed 16199547; PubMed 19804848; PubMed 22451424.